The following is an entry in ClinVar:

ClinVar aggregate classification (germline): Pathogenic/Likely pathogenic. Review status: criteria provided, multiple submitters, no conflicts (2 of 4 stars). 16 submissions from 16 submitters: Pathogenic (9); Likely pathogenic (5). 2 of the submissions do not count toward it. Last evaluated 2026-04-27.

Conditions:
Carnitine deficiency. Identifiers: MedGen C1142132.
SLC22A5-related disorder. Also called: SLC22A5-related condition.
Renal carnitine transport defect (CDSP). Also called: Carnitine Deficiency, Systemic; CARNITINE DEFICIENCY, SYSTEMIC, DUE TO DEFECT IN RENAL REABSORPTION OF CARNITINE; CARNITINE TRANSPORTER, PLASMA-MEMBRANE, DEFICIENCY OF; CARNITINE UPTAKE DEFECT; Systemic primary carnitine deficiency disease; Primary carnitine deficiency. Identifiers: Orphanet 158, MedGen C0342788, MONDO:0008919, OMIM 212140.

Allele frequency attached by ClinVar (database versions not stated): gnomAD 0.00004 and 0.00002; ExAC 0.00007; gnomAD exomes 0.00003 and 0.00012; TOPMed 0.00005; 1000 Genomes Project 0.00020; 1000 Genomes Project 30x 0.00047.

Submissions 1 to 11 of 16:

PreventionGenetics, part of Exact Sciences
Classification: Pathogenic for SLC22A5-related condition. Last evaluated: 2026-04-27. Review status: criteria provided, single submitter. Criteria: ACMG Guidelines, 2015. Collection method: clinical testing. Allele origin: germline.
Comment: The SLC22A5 c.1195C>T variant is predicted to result in the amino acid substitution p.Arg399Trp. This variant has been reported with a second SLC22A5 variant in multiple individuals diagnosed with primary carnitine deficiency based on clinical and biochemical features or newborn screening results (El-Hattab et al. 2010. PubMed ID: 20027113; Li et al. 2010. PubMed ID: 20574985; Han et al. 2014. PubMed ID: 25132046; Frigeni et al. 2017. PubMed ID: 28841266; Gallant et al. 2017. PubMed ID: 28711408; SLC22A5 locus-specific database). In an expression study using CHO cells, carnitine transport was shown to be greatly reduced relative to wild-type (Longo. 2016. PubMed ID: 27931018). A different amino acid substitution at the same location (p.Arg399Gln) has also been reported in association with primary carnitine deficiency (e.g., Frigeni et al. 2017. PubMed ID: 28841266). Based on these observations, the c.1195C>T (p.Arg399Trp) variant is interpreted as as pathogenic.

Labcorp Genetics (formerly Invitae), Labcorp
Classification: Pathogenic for Renal carnitine transport defect. Last evaluated: 2026-01-05. Review status: criteria provided, single submitter. Criteria: Invitae Variant Classification Sherloc (09022015). Collection method: clinical testing. Allele origin: germline.
Comment: This sequence change replaces arginine, which is basic and polar, with tryptophan, which is neutral and slightly polar, at codon 399 of the SLC22A5 protein (p.Arg399Trp). This variant is present in population databases (rs267607054, gnomAD 0.06%). This missense change has been observed in individual(s) with primary carnitine deficiency (PMID: 20027113, 20574985, 25132046, 28841266). In at least one individual the data is consistent with being in trans (on the opposite chromosome) from a pathogenic variant. ClinVar contains an entry for this variant (Variation ID: 6427). Invitae Evidence Modeling of protein sequence and biophysical properties (such as structural, functional, and spatial information, amino acid conservation, physicochemical variation, residue mobility, and thermodynamic stability) indicates that this missense variant is expected to disrupt SLC22A5 protein function with a positive predictive value of 95%. Experimental studies have shown that this missense change affects SLC22A5 function (PMID: 27931018). This variant disrupts the p.Arg399 amino acid residue in SLC22A5. Other variant(s) that disrupt this residue have been determined to be pathogenic (PMID: 11715001, 27931018, 28841266). This suggests that this residue is clinically significant, and that variants that disrupt this residue are likely to be disease-causing. For these reasons, this variant has been classified as Pathogenic.

Natera, Inc.
Classification: Pathogenic for Carnitine deficiency. Last evaluated: 2025-10-29. Review status: criteria provided, single submitter. Criteria: Natera Variant Classification Schema (03/2026). Collection method: clinical testing. Allele origin: germline.
Comment: The c.1195C>T variant in SLC22A5 is a missense variant predicted to cause substitution of arginine to tryptophan at amino acid 399. This variant is rare in the general population with a frequency below the threshold expected for the associated phenotype(s). This variant has been observed in one or more individuals affected with the associated recessive disease, as either homozygous or compound heterozygous with a second variant (PMID: 30904546, 34394177, 28841266). Computational prediction algorithms indicate this variant is likely to affect gene or protein function. Given the available evidence, this variant is classified as Pathogenic.

Mayo Clinic Laboratories, Mayo Clinic
Classification: Pathogenic. Last evaluated: 2025-10-13. Review status: criteria provided, single submitter. Criteria: ACMG Guidelines, 2015. Collection method: clinical testing. Allele origin: germline. Observed: 1 variant allele.
Comment: PP3, PP4, PM3_strong, PS3

Department of Genetics of Metabolic Diseases, Institute of Medical & Molecular Genetics, Hospital Universitario Hospital La Paz
Classification: Pathogenic for Renal carnitine transport defect. Last evaluated: 2024-09-01. Review status: criteria provided, single submitter. Criteria: ACMG Guidelines, 2015. Collection method: clinical testing. Allele origin: germline. Inheritance: Autosomal recessive inheritance. Affected: yes.
Comment: The variant c.1195C>T p.(Arg399Trp) in SLC22A5 is present at low frequency in gnomAD (0.01193%) and computational prediction tools support a deleterious effect on the gene. Functional studies in CHO cells confirm this variant reduces significatively OCTN2´s activity (PMID: 28841266). This variant has been observed in compound heterozygous individuals with abnormal levels of free carnitine consistent with primary carnitine deficiency (PMID: 28841266, 28711408, 20027113, 27931018, Hidalgo Mayoral I et al., in press)

Revvity Omics, Revvity
Classification: Pathogenic for Renal carnitine transport defect. Last evaluated: 2022-05-10. Review status: criteria provided, single submitter. Criteria: ACMG Guidelines, 2015. Collection method: clinical testing. Allele origin: germline.

GeneDx
Classification: Pathogenic. Last evaluated: 2022-05-05. Review status: criteria provided, single submitter. Criteria: GeneDx Variant Classification Process June 2021. Collection method: clinical testing. Allele origin: germline. Affected: yes.
Comment: Functional analysis found this variant is associated with significantly impaired carnitine transport (Frigeni M et al., 2017); In silico analysis supports that this missense variant has a deleterious effect on protein structure/function; This variant is associated with the following publications: (PMID: 29132460, 20027113, 26828774, 31302912, 33181153, 34178604, 32778825, 30863740, 28841266)

Genetics and Genomic Medicine Centre, NeuroGen Healthcare, NeuroGen Healthcare
Classification: Pathogenic for Renal carnitine transport defect. Last evaluated: 2022-01-15. Review status: criteria provided, single submitter. Criteria: Submitter's publication. Collection method: clinical testing. Allele origin: unknown. Affected: no.

Genome-Nilou Lab
Classification: Likely pathogenic for Renal carnitine transport defect. Last evaluated: 2021-07-15. Review status: criteria provided, single submitter. Criteria: ACMG Guidelines, 2015. Collection method: clinical testing. Allele origin: germline. Affected: no.

Illumina Laboratory Services, Illumina
Classification: Likely pathogenic for Renal carnitine transport defect. Last evaluated: 2018-10-25. Review status: criteria provided, single submitter. Criteria: ICSL Variant Classification Criteria 09 May 2019. Collection method: clinical testing. Allele origin: germline.
Comment: The SLC22A5 c.1195C>T (p.Arg399Trp) missense variant has been reported in at least four studies and was found in a total of at least nine individuals who displayed low free carnitine levels, including in one in a homozygous state, in four in a compound heterozygous state, and in four in a heterozygous state with no second variant identified (El-Hattab et al. 2010; Li et al. 2010; Han et al. 2014; Gallant et al. 2017). Control data are unavailable for this variant, which is reported at a frequency of 0.000566 in the Latino population of the Genome Aggregation Database. Based on the evidence, the p.Arg399Trp variant is classified as likely pathogenic for systemic primary carnitine deficiency. This variant was observed by ICSL as part of a predisposition screen in an ostensibly healthy population.

Women's Health and Genetics/Laboratory Corporation of America, LabCorp
Classification: Likely pathogenic for Renal carnitine transport defect. Last evaluated: 2018-04-26. Review status: criteria provided, single submitter. Criteria: LabCorp Variant Classification Summary - May 2015. Collection method: clinical testing. Allele origin: germline.
Comment: Variant summary: SLC22A5 c.1195C>T (p.Arg399Trp) results in a non-conservative amino acid change located in the Major facilitator superfamily domain of the encoded protein sequence. Five of five in-silico tools predict a damaging effect of the variant on protein function. The variant allele was found at a frequency of 0.00011 in 246242 control chromosomes. This frequency is not higher than expected for a pathogenic variant in SLC22A5 causing Systemic Primary Carnitine Deficiency (0.00011 vs 0.0046), allowing no conclusion about variant significance. c.1195C>T has been reported in the literature in an individual affected with Systemic Primary Carnitine Deficiency (Frigeni_2017) as well as individuals with low carnitine levels who are asymptomatic (El-Hattab_2010, Han_2014). One publication reports experimental evidence showing a near total loss of carnitine transport in CHO cell and patient fibroblast assays (Frigeni_2017). Additionally, a variant at the same codon (p.Arg399Gln) has been reported as pathogenic in association with Systemic Primary Carnitine Deficiency, suggesting the Arg399 residue is important for function. Three clinical diagnostic laboratories have submitted clinical-significance assessments for this variant to ClinVar after 2014 and all classified the variant as pathogenic/likely pathogenic. Based on the evidence outlined above, the variant was classified as likely pathogenic.

NM_003060.4(SLC22A5):c.1195C>T (p.Arg399Trp)

Gene: SLC22A5 (solute carrier family 22 member 5; plus strand). Cytogenetic location: 5q31.1.
Variant type: single nucleotide variant.
Coding change: c.1195C>T on transcript NM_003060.4 (MANE Select); coding-DNA position 1195, C replaced by T.
Protein change: p.Arg399Trp; replaces arginine 399 with tryptophan.
Molecular consequence: missense variant.
Genome position (GRCh38, 1-based): chr5:132,390,832, C>T. VCF-style: chr5-132390832-C-T. GRCh37 (hg19) VCF-style: chr5-131726524-C-T.
Other names: c.1267C>T, p.Arg423Trp (NM_001308122.2); short protein forms R399W, R423W.
Identifiers: ClinVar variation 6427 (VCV000006427.37), dbSNP rs267607054, ClinGen allele CA312953.
Genomic context (GRCh38, chr5:132,390,832, plus strand): 5'-TCAGCGATGGTTGAAGTCCCAGCATATGTGTTGGCCTGGCTGCTGCTGCAATATTTGCCC[C>T]GGCGCTATTCCATGGCCACTGCCCTCTTCCTGGGTGGCAGTGTCCTTCTCTTCATGCAGC-3'
Protein context (NP_003051.1, residues 389-409): LAWLLLQYLP[Arg399Trp]RYSMATALFL